The following is an entry in ClinVar:

NM_001267550.2(TTN):c.30754+2T>C

Gene: TTN (titin; minus strand). Cytogenetic location: 2q31.2.
Variant type: single nucleotide variant.
Coding change: c.30754+2T>C on transcript NM_001267550.2 (MANE Select); the canonical splice donor site of the intron after coding-DNA position 30754, T replaced by C.
Molecular consequence: splice donor variant. On other transcripts: intron variant (3).
Genome position (GRCh38, 1-based): chr2:178,698,841, A>G on the plus strand (T>C on the coding strand, the complement: TTN is on the minus strand). VCF-style: chr2-178698841-A-G. GRCh37 (hg19) VCF-style: chr2-179563568-A-G.
Other names: c.13282+39241T>C (NM_003319.4); c.13858+39241T>C (NM_133437.4); c.13657+39241T>C (NM_133432.3); c.27022+2T>C (NM_133378.4); c.29803+2T>C (NM_001256850.1).
Identifiers: ClinVar variation 3756642 (VCV003756642.2).

ClinVar aggregate classification (germline): Likely pathogenic (1 of 4 stars; one submission).

Conditions:
Dilated cardiomyopathy 1G (CMD1G). Identifiers: Orphanet 154, MedGen C1858763, MONDO:0011400, OMIM 604145.
Autosomal recessive limb-girdle muscular dystrophy type 2J (LGMDR10). Also called: Limb-girdle muscular dystrophy, type 2J; MUSCULAR DYSTROPHY, LIMB-GIRDLE, AUTOSOMAL RECESSIVE 10. Identifiers: Orphanet 140922, MedGen C1837342, MONDO:0012127, OMIM 608807.

Submission:

Labcorp Genetics (formerly Invitae), Labcorp
Classification: Likely pathogenic for Dilated cardiomyopathy 1G; Autosomal recessive limb-girdle muscular dystrophy type 2J. Last evaluated: 2024-06-03. Review status: criteria provided, single submitter. Criteria: Invitae Variant Classification Sherloc (09022015). Collection method: clinical testing. Allele origin: germline.
Comment: This sequence change affects a donor splice site in intron 112 of the TTN gene. It is expected to disrupt RNA splicing and likely results in a truncated or disrupted TTN protein. This variant is not present in population databases (gnomAD no frequency). This variant has not been reported in the literature in individuals affected with TTN-related conditions. Algorithms developed to predict the effect of sequence changes on RNA splicing suggest that this variant may disrupt the consensus splice site. This variant is located in the I band of TTN (PMID: 25589632). Truncating variants in this region have been reported in individuals affected with autosomal recessive centronuclear myopathy (PMID: 23975875, Invitae internal data). Truncating variants in this region have also been identified in individuals affected with autosomal dominant dilated cardiomyopathy and/or cardio-related conditions (PMID: 27869827, 32964742, Invitae internal data). In summary, the currently available evidence indicates that the variant is pathogenic, but additional data are needed to prove that conclusively. Therefore, this variant has been classified as Likely Pathogenic.

Literature cited by the submitters: PubMed 25589632; PubMed 23975875; PubMed 27869827; PubMed 32964742.